The following is an entry in ClinVar:

NM_001077653.2(TBX20):c.1062del (p.Ser355fs)

Gene: TBX20 (T-box transcription factor 20; minus strand). Cytogenetic location: 7p14.2.
Variant type: Deletion.
Coding change: c.1062del on transcript NM_001077653.2 (MANE Select); coding-DNA position 1062, one base deleted (C; older notation c.1062delC).
Protein change: p.Ser355fs; shifts the reading frame from serine 355.
Molecular consequence: frameshift variant.
Genome position (GRCh38, 1-based): chr7:35,202,712, G deleted on the plus strand (C on the coding strand, the reverse complement: TBX20 is on the minus strand); the first of 2 consecutive G bases (chr7:35,202,712-35,202,713); deleting either gives the same sequence. VCF-style (leftmost placement, unchanged base first): chr7-35202711-TG-T. GRCh37 (hg19) VCF-style: chr7-35242323-TG-T.
Other names: short protein forms S355fs.
Identifiers: ClinVar variation 3370870 (VCV003370870.1).

ClinVar aggregate classification (germline): Uncertain significance (1 of 4 stars; one submission).

Submission:

GeneDx
Classification: Uncertain significance. Last evaluated: 2024-03-11. Review status: criteria provided, single submitter. Criteria: GeneDx Variant Classification Process June 2021. Collection method: clinical testing. Allele origin: germline. Affected: yes.
Comment: Not observed at significant frequency in large population cohorts (gnomAD); Frameshift variant predicted to result in abnormal protein length as the last 93 amino acids are replaced with 10 different amino acids; Has not been previously published as pathogenic or benign to our knowledge